The following is an entry in ClinVar:

ClinVar aggregate classification (germline): Conflicting classifications of pathogenicity. Review status: criteria provided, conflicting classifications (1 of 4 stars). 4 submissions from 4 submitters: Uncertain significance (3); Likely benign (1). Last evaluated 2025-05-20.

Conditions:
Primary ciliary dyskinesia. Also called: Ciliary dyskinesia. Identifiers: Orphanet 244, MedGen C0008780, MONDO:0016575, HP:0012265.
Primary ciliary dyskinesia 3. Identifiers: Orphanet 244, MedGen C1837618, MONDO:0012085, OMIM 608644.

Allele frequency attached by ClinVar (database versions not stated): TOPMed 0.00003; gnomAD 0.00004.
gnomAD v4.1: 29 of 1,613,862 alleles (0.0018%); highest among the groups gnomAD compares: South Asian, 0.0088%; no homozygotes.

Submissions (4):

Ambry Genetics
Classification: Uncertain significance for Primary ciliary dyskinesia. Last evaluated: 2025-05-20. Review status: criteria provided, single submitter. Criteria: Ambry Variant Classification Scheme 2023. Collection method: clinical testing. Allele origin: germline.

GeneDx
Classification: Uncertain significance. Last evaluated: 2025-01-31. Review status: criteria provided, single submitter. Criteria: GeneDx Variant Classification Process June 2021. Collection method: clinical testing. Allele origin: germline. Affected: yes.
Comment: In silico analysis supports that this missense variant has a deleterious effect on protein structure/function; Has not been previously published as pathogenic or benign to our knowledge

Labcorp Genetics (formerly Invitae), Labcorp
Classification: Likely benign for Primary ciliary dyskinesia. Last evaluated: 2024-03-23. Review status: criteria provided, single submitter. Criteria: Invitae Variant Classification Sherloc (09022015). Collection method: clinical testing. Allele origin: germline.

Revvity Omics, Revvity
Classification: Uncertain significance for Primary ciliary dyskinesia 3. Last evaluated: 2019-05-31. Review status: criteria provided, single submitter. Criteria: ACMG Guidelines, 2015. Collection method: clinical testing. Allele origin: germline.

NM_001369.3(DNAH5):c.1586G>A (p.Arg529Gln)

Gene: DNAH5 (dynein axonemal heavy chain 5; minus strand). Cytogenetic location: 5p15.2.
Variant type: single nucleotide variant.
Coding change: c.1586G>A on transcript NM_001369.3 (MANE Select); coding-DNA position 1586, G replaced by A.
Protein change: p.Arg529Gln; replaces arginine 529 with glutamine.
Molecular consequence: missense variant.
Genome position (GRCh38, 1-based): chr5:13,911,444, C>T on the plus strand (G>A on the coding strand, the complement: DNAH5 is on the minus strand). VCF-style: chr5-13911444-C-T. GRCh37 (hg19) VCF-style: chr5-13911553-C-T.
Other names: c.1586G>A (NM_001369.2); short protein forms R529Q.
Identifiers: ClinVar variation 2191456 (VCV002191456.11), dbSNP rs761289479, ClinGen allele CA3204807.